The following is an entry in ClinVar:

ClinVar aggregate classification (germline): Uncertain significance (1 of 4 stars; one submission).

gnomAD v4.1: 1 of 1,614,178 alleles (0.000062%); highest among the groups gnomAD compares: Non-Finnish European, 0.000085%; no homozygotes.

Submission:

Labcorp Genetics (formerly Invitae), Labcorp
Classification: Uncertain significance. Last evaluated: 2023-01-09. Review status: criteria provided, single submitter. Criteria: Invitae Variant Classification Sherloc (09022015). Collection method: clinical testing. Allele origin: germline.
Comment: In summary, the available evidence is currently insufficient to determine the role of this variant in disease. Therefore, it has been classified as a Variant of Uncertain Significance. Algorithms developed to predict the effect of missense changes on protein structure and function are either unavailable or do not agree on the potential impact of this missense change (SIFT: "Deleterious"; PolyPhen-2: "Possibly Damaging"; Align-GVGD: "Class C0"). This variant has not been reported in the literature in individuals affected with FAT2-related conditions. This variant is not present in population databases (gnomAD no frequency). This sequence change replaces proline, which is neutral and non-polar, with arginine, which is basic and polar, at codon 4084 of the FAT2 protein (p.Pro4084Arg).

NM_001447.3(FAT2):c.12251C>G (p.Pro4084Arg)

Genes: FAT2 (FAT atypical cadherin 2; minus strand), SLC36A1 (solute carrier family 36 member 1; plus strand). Cytogenetic location: 5q33.1.
Variant type: single nucleotide variant.
Coding change: c.12251C>G on transcript NM_001447.3 (MANE Select); coding-DNA position 12251, C replaced by G.
Protein change: p.Pro4084Arg; replaces proline 4084 with arginine.
Molecular consequence: missense variant.
Genome position (GRCh38, 1-based): chr5:151,507,420, G>C on the plus strand (C>G on the coding strand, the complement: FAT2 is on the minus strand). VCF-style: chr5-151507420-G-C. GRCh37 (hg19) VCF-style: chr5-150886981-G-C.
Other names: short protein forms P4084R.
Identifiers: ClinVar variation 2807101 (VCV002807101.3), dbSNP rs2480864635, ClinGen allele CA361819555.